The following is an entry in ClinVar:

ClinVar aggregate classification (germline): Likely benign. Review status: reviewed by expert panel (3 of 4 stars). 8 submissions from 8 submitters: Likely benign (1). 7 of the submissions do not count toward it. Last evaluated 2017-06-29.

Conditions:
Hereditary cancer-predisposing syndrome. Also called: Tumor predisposition; Hereditary neoplastic syndrome; Neoplastic Syndromes, Hereditary; Hereditary Cancer Syndrome. Identifiers: Orphanet 140162, MedGen C0027672, MeSH D009386, MONDO:0015356.
Hereditary breast ovarian cancer syndrome. Also called: Hereditary breast and ovarian cancer; BRCA1- and BRCA2-Associated Hereditary Breast and Ovarian Cancer; Hereditary breast and/or ovarian cancer syndrome; Hereditary breast and ovarian cancer syndrome; Hereditary breast and ovarian cancer syndrome (HBOC); Breast and ovarian cancer. Identifiers: Orphanet 145, MedGen C0677776, MeSH D061325, MONDO:0003582. Disease mechanism: loss of function.
Breast-ovarian cancer, familial, susceptibility to, 2 (BROVCA2). Also called: BRCA2 Hereditary Breast and Ovarian Cancer. Identifiers: Orphanet 145, MedGen C2675520, MONDO:0012933, OMIM 612555. Disease mechanism: loss of function.

Allele frequency attached by ClinVar (database versions not stated): gnomAD exomes 0.00001 and 0.00002.
gnomAD v4.1: 5 of 1,609,376 alleles (0.00031%); highest among the groups gnomAD compares: Admixed American, 0.0084%; no homozygotes.

Submissions (8):

Evidence-based Network for the Interpretation of Germline Mutant Alleles (ENIGMA)
Classification: Likely benign for Breast-ovarian cancer, familial, susceptibility to, 2. Last evaluated: 2017-06-29. Review status: reviewed by expert panel. Criteria: ENIGMA BRCA1/2 Classification Criteria (2017-06-29). Collection method: curation. Allele origin: germline.
Comment: Synonymous substitution variant, with low bioinformatic likelihood to result in a splicing aberration (Splicing prior probability 0.02).

Quest Diagnostics Nichols Institute San Juan Capistrano
Classification: Likely benign. Last evaluated: 2025-07-28. Review status: criteria provided, single submitter. Criteria: Quest Diagnostics criteria. Collection method: clinical testing. Allele origin: unknown. Not counted in ClinVar's aggregate classification.

Labcorp Genetics (formerly Invitae), Labcorp
Classification: Likely benign for Hereditary breast ovarian cancer syndrome. Last evaluated: 2025-01-06. Review status: criteria provided, single submitter. Criteria: Invitae Variant Classification Sherloc (09022015). Collection method: clinical testing. Allele origin: germline. Not counted in ClinVar's aggregate classification.

Women's Health and Genetics/Laboratory Corporation of America, LabCorp
Classification: Likely benign. Last evaluated: 2024-12-06. Review status: criteria provided, single submitter. Criteria: LabCorp Variant Classification Summary - May 2015. Collection method: clinical testing. Allele origin: germline. Not counted in ClinVar's aggregate classification.

Color Diagnostics, LLC DBA Color Health
Classification: Likely benign for Hereditary cancer-predisposing syndrome. Last evaluated: 2021-12-06. Review status: criteria provided, single submitter. Criteria: ACMG Guidelines, 2015. Collection method: clinical testing. Allele origin: germline. Not counted in ClinVar's aggregate classification.

Ambry Genetics
Classification: Likely benign for Hereditary cancer-predisposing syndrome. Last evaluated: 2021-09-22. Review status: criteria provided, single submitter. Criteria: Ambry Variant Classification Scheme 2023. Collection method: clinical testing. Allele origin: germline. Not counted in ClinVar's aggregate classification.

GeneDx
Classification: Likely benign. Last evaluated: 2016-09-02. Review status: criteria provided, single submitter. Criteria: GeneDx Variant Classification (06012015). Collection method: clinical testing. Allele origin: germline. Affected: yes. Not counted in ClinVar's aggregate classification.
Comment: This variant is considered likely benign or benign based on one or more of the following criteria: it is a conservative change, it occurs at a poorly conserved position in the protein, it is predicted to be benign by multiple in silico algorithms, and/or has population frequency not consistent with disease.

Counsyl
Classification: Likely benign for Breast-ovarian cancer, familial, susceptibility to, 2. Last evaluated: 2016-10-31. Review status: no assertion criteria provided. Collection method: clinical testing. Allele origin: unknown. Not counted in ClinVar's aggregate classification.

NM_000059.4(BRCA2):c.5214T>G (p.Thr1738=)

Gene: BRCA2 (BRCA2 DNA repair associated; plus strand). Cytogenetic location: 13q13.1.
Variant type: single nucleotide variant.
Coding change: c.5214T>G on transcript NM_000059.4 (MANE Select); coding-DNA position 5214, T replaced by G.
Protein change: p.Thr1738=; no amino-acid change (threonine 1738 retained).
Molecular consequence: synonymous variant.
Genome position (GRCh38, 1-based): chr13:32,339,569, T>G. VCF-style: chr13-32339569-T-G. GRCh37 (hg19) VCF-style: chr13-32913706-T-G.
Identifiers: ClinVar variation 220003 (VCV000220003.21), dbSNP rs864622338, ClinGen allele CA350445.